The following is an entry in ClinVar:

NM_001987.5(ETV6):c.163+1G>A

Gene: ETV6 (ETS variant transcription factor 6; plus strand). Cytogenetic location: 12p13.2.
Variant type: single nucleotide variant.
Coding change: c.163+1G>A on transcript NM_001987.5 (MANE Select); the canonical splice donor site of the intron after coding-DNA position 163, G replaced by A.
Molecular consequence: splice donor variant. On other transcripts: intron variant (1).
Genome position (GRCh38, 1-based): chr12:11,752,580, G>A. VCF-style: chr12-11752580-G-A. GRCh37 (hg19) VCF-style: chr12-11905514-G-A.
Other names: c.136+1G>A (NM_001413914.1); c.163+1G>A (NM_001413917.1, NM_001413916.1, NM_001413918.1 and 1 more transcripts); c.160+1G>A (NM_001413913.1); c.-101-86560G>A (NM_001413915.1).
Identifiers: ClinVar variation 1510429 (VCV001510429.7), dbSNP rs1866056028, ClinGen allele CA384041877.

ClinVar aggregate classification (germline): Conflicting classifications of pathogenicity. Review status: criteria provided, conflicting classifications (1 of 4 stars). 2 submissions from 2 submitters: Likely pathogenic (1); Uncertain significance (1). Last evaluated 2026-07-28.

Conditions:
Inborn genetic diseases. Identifiers: MedGen C0950123, MeSH D030342.

Allele frequency attached by ClinVar (database versions not stated): gnomAD exomes below 0.00001; TOPMed below 0.00001.
gnomAD v4.1: 2 of 1,610,480 alleles (0.00012%); highest among the groups gnomAD compares: Non-Finnish European, 0.00017%; no homozygotes.

Submissions (2):

Ambry Genetics
Classification: Uncertain significance for Inborn genetic diseases. Last evaluated: 2026-07-28. Review status: criteria provided, single submitter. Criteria: Ambry Variant Classification Scheme 2023. Collection method: clinical testing. Allele origin: germline.
Comment: The c.163+1G>A intronic variant results from a G to A substitution one nucleotide after coding exon 2 of the ETV6 gene. This nucleotide position is highly conserved in available vertebrate species. In silico splice site analysis predicts that this alteration will weaken the native splice donor site. The stop codon in the predicted resulting transcript occurs in the 5' end ofthe gene. As such, this variant may escape nonsense-mediated mRNAdecay and/or be prone to rescue by reinitiation (Rivas et al. Science. 2015 May 8;348(6235):666-9; Lindeboom et al. Nat Genet. 2016 Oct;48(10):1112-8; Rhee et al. Sci Rep. 2017 May 10;7(1):1653). RNA studies have demonstrated that this variant results in a splice defect; the clinical impact of this abnormal splicing is unknown at this time (Ambry internal data). Based on the available evidence, the clinical significance of this variant remains unclear.

Labcorp Genetics (formerly Invitae), Labcorp
Classification: Likely pathogenic. Last evaluated: 2025-08-12. Review status: criteria provided, single submitter. Criteria: Invitae Variant Classification Sherloc (09022015). Collection method: clinical testing. Allele origin: germline.
Comment: This sequence change affects a donor splice site in intron 2 of the ETV6 gene. It is expected to result in an absent or disrupted protein product. Loss-of-function variants in ETV6 are known to be pathogenic (PMID: 26102509, 27365488, 29034503). This variant is not present in population databases (gnomAD no frequency). This variant has not been reported in the literature in individuals affected with ETV6-related conditions. ClinVar contains an entry for this variant (Variation ID: 1510429). Algorithms developed to predict the effect of sequence changes on RNA splicing suggest that this variant may disrupt the consensus splice site. In summary, the currently available evidence indicates that the variant is pathogenic, but additional data are needed to prove that conclusively. Therefore, this variant has been classified as Likely Pathogenic.

Literature cited by the submitters: PubMed 26102509 (cited by Labcorp Genetics (formerly Invitae), Labcorp); PubMed 27365488 (cited by Labcorp Genetics (formerly Invitae), Labcorp); PubMed 29034503 (cited by Labcorp Genetics (formerly Invitae), Labcorp).